The following is an entry in ClinVar:

ClinVar aggregate classification (germline): Uncertain significance (1 of 4 stars; one submission).

Conditions:
Inborn genetic diseases. Identifiers: MedGen C0950123, MeSH D030342.

Submission:

Ambry Genetics
Classification: Uncertain significance for Inborn genetic diseases. Last evaluated: 2023-06-17. Review status: criteria provided, single submitter. Criteria: Ambry Variant Classification Scheme 2023. Collection method: clinical testing. Allele origin: germline.
Comment: The p.D610G variant (also known as c.1829A>G), located in coding exon 15 of the BUB1B gene, results from an A to G substitution at nucleotide position 1829. The aspartic acid at codon 610 is replaced by glycine, an amino acid with similar properties. This amino acid position is conserved. In addition, the in silico prediction for this alteration is inconclusive. Since supporting evidence is limited at this time, the clinical significance of this alteration remains unclear.

NM_001211.6(BUB1B):c.1829A>G (p.Asp610Gly)

Gene: BUB1B (BUB1 mitotic checkpoint serine/threonine kinase B; plus strand). Cytogenetic location: 15q15.1.
Variant type: single nucleotide variant.
Coding change: c.1829A>G on transcript NM_001211.6 (MANE Select); coding-DNA position 1829, A replaced by G.
Protein change: p.Asp610Gly; replaces aspartic acid 610 with glycine.
Molecular consequence: missense variant.
Genome position (GRCh38, 1-based): chr15:40,206,278, A>G. VCF-style: chr15-40206278-A-G. GRCh37 (hg19) VCF-style: chr15-40498479-A-G.
Other names: short protein forms D610G.
Identifiers: ClinVar variation 2585902 (VCV002585902.2), dbSNP rs2542564801, ClinGen allele CA391692485.